The following is an entry in ClinVar:

NM_003982.4(SLC7A7):c.2T>C (p.Met1Thr)

Genes: SLC7A7 (solute carrier family 7 member 7; minus strand), LOC130055324 (ATAC-STARR-seq lymphoblastoid silent region 5590; plus strand). Cytogenetic location: 14q11.2.
Variant type: single nucleotide variant.
Coding change: c.2T>C on transcript NM_003982.4 (MANE Select); coding-DNA position 2, T replaced by C.
Protein change: p.Met1Thr; changes the start codon (methionine 1).
Molecular consequence: missense variant, initiator codon variant.
Genome position (GRCh38, 1-based): chr14:22,813,397, A>G on the plus strand (T>C on the coding strand, the complement: SLC7A7 is on the minus strand). VCF-style: chr14-22813397-A-G. GRCh37 (hg19) VCF-style: chr14-23282606-A-G.
Other names: c.2T>C, p.Met1Thr (NM_001126105.3, NM_001126106.4); short protein forms M1T.
Identifiers: ClinVar variation 2901913 (VCV002901913.4), dbSNP rs1261517099, ClinGen allele CA388923820.
Genomic context (GRCh38, chr14:22,813,397, plus strand): 5'-CCCAAAGGGGAGGTTTCCACCTCAGGCTGGGAGGCCACTTCATACTCAGTGCTGTCAACC[A>G]TGGTGGAGGAGAGGAAACCCTTCACCAGCTTCCTGGCATTGCCCTTTAAGGAAGAAAGAT-3'
Protein context (NP_003973.3, residues 1-11): [Met1Thr]VDSTEYEVAS

ClinVar aggregate classification (germline): Pathogenic/Likely pathogenic. Review status: criteria provided, multiple submitters, no conflicts (2 of 4 stars). 2 submissions from 2 submitters: Pathogenic (1); Likely pathogenic (1). Last evaluated 2026-01-26.

Conditions:
Lysinuric protein intolerance (LPI). Identifiers: Orphanet 470, MedGen C0268647, MONDO:0009109, OMIM 222700.

Allele frequency attached by ClinVar (database versions not stated): gnomAD 0.00001; gnomAD exomes 0.00001; TOPMed 0.00002.

Submissions (2):

Natera, Inc.
Classification: Likely pathogenic for Lysinuric protein intolerance. Last evaluated: 2026-01-26. Review status: criteria provided, single submitter. Criteria: Natera Variant Classification Schema (03/2026). Collection method: clinical testing. Allele origin: germline.
Comment: The c.2T>C variant in SLC7A7 is predicted to result in start loss due to disruption of the initiator methionine. This variant is expected to result in nonsense mediated decay, truncation, or a dysfunctional protein product. This variant is rare in the general population with a frequency below the threshold expected for the associated phenotype(s). Given the available evidence, this variant is classified as Likely Pathogenic.

Labcorp Genetics (formerly Invitae), Labcorp
Classification: Pathogenic for Lysinuric protein intolerance. Last evaluated: 2025-01-30. Review status: criteria provided, single submitter. Criteria: Invitae Variant Classification Sherloc (09022015). Collection method: clinical testing. Allele origin: germline.
Comment: This sequence change affects the initiator methionine of the SLC7A7 mRNA. The next in-frame methionine is located at codon 50. This variant is not present in population databases (gnomAD no frequency). Disruption of the initiator codon has been observed in individual(s) with clinical features of SLC7A7-related conditions (PMID: 10631139, 38759022). It has also been observed to segregate with disease in related individuals. ClinVar contains an entry for this variant (Variation ID: 2901913). Algorithms developed to predict the effect of variants on gene product structure and function are not available or were not evaluated for this variant. Experimental studies have shown that disruption of the initiator codon affects SLC7A7 function (PMID: 15776427, 17764084). This variant disrupts a region of the SLC7A7 protein in which other variant(s) (p.Glu36del) have been observed in individuals with SLC7A7-related conditions (PMID: 15756301). This suggests that this is a clinically significant region of the protein, and that variants that disrupt it are likely to be disease-causing. For these reasons, this variant has been classified as Pathogenic.

Literature cited by the submitters: PubMed 10631139 (cited by Labcorp Genetics (formerly Invitae), Labcorp); PubMed 38759022 (cited by Labcorp Genetics (formerly Invitae), Labcorp); PubMed 15776427 (cited by Labcorp Genetics (formerly Invitae), Labcorp); PubMed 17764084 (cited by Labcorp Genetics (formerly Invitae), Labcorp); PubMed 15756301 (cited by Labcorp Genetics (formerly Invitae), Labcorp).